The following is an entry in ClinVar:

ClinVar aggregate classification (germline): Conflicting classifications of pathogenicity. Review status: criteria provided, conflicting classifications (1 of 4 stars). 2 submissions from 2 submitters: Uncertain significance (1); Likely benign (1). Last evaluated 2022-05-11.

Allele frequency attached by ClinVar (database versions not stated): 1000 Genomes Project 30x 0.00016; 1000 Genomes Project 0.00020; ESP Exome Variant Server 0.00024; TOPMed 0.00038; gnomAD exomes 0.00067; ExAC 0.00076.

Submissions (2):

Ambry Genetics
Classification: Uncertain significance. Last evaluated: 2022-05-11. Review status: criteria provided, single submitter. Criteria: Ambry Variant Classification Scheme 2023. Collection method: clinical testing. Allele origin: germline.

Laboratory for Molecular Medicine, Mass General Brigham Personalized Medicine
Classification: Likely benign. Last evaluated: 2015-11-11. Review status: criteria provided, single submitter. Criteria: LMM Criteria. Collection method: clinical testing. Allele origin: germline. Observed: 1 variant allele.
Comment: p.Glu5682Lys in exon 48 of MUC5B: This variant is not expected to have clinical significance because it has been identified in 0.3% (15/5332) of Finnish chromos omes by the Exome Aggregation Consortium (ExAC; dbSNP rs200719329).

NM_002458.3(MUC5B):c.17044G>A (p.Glu5682Lys)

Gene: MUC5B (mucin 5B, oligomeric mucus/gel-forming; plus strand). Cytogenetic location: 11p15.5.
Variant type: single nucleotide variant.
Coding change: c.17044G>A on transcript NM_002458.3 (MANE Select); coding-DNA position 17044, G replaced by A.
Protein change: p.Glu5682Lys; replaces glutamic acid 5682 with lysine.
Molecular consequence: missense variant.
Genome position (GRCh38, 1-based): chr11:1,260,703, G>A. VCF-style: chr11-1260703-G-A. GRCh37 (hg19) VCF-style: chr11-1281933-G-A.
Other names: short protein forms E5682K.
Identifiers: ClinVar variation 227553 (VCV000227553.7), dbSNP rs200719329, ClinGen allele CA5809632.
Genomic context (GRCh38, chr11:1,260,703, plus strand): 5'-ATCAACACGACCATCCTGTGGCACCAGGGCTGCGAGACCGAGGTCAACATCACCTTCTGC[G>A]AGGGCTCCTGCCCCGGAGCGTCCAAGTGAGTGGGCTCCTGGCCCTGTGCCAAGAGCACCT-3'
Protein context (NP_002449.2, residues 5672-5692): CETEVNITFC[Glu5682Lys]GSCPGASKYS